The following is an entry in ClinVar:

ClinVar aggregate classification (germline): Conflicting classifications of pathogenicity. Review status: criteria provided, conflicting classifications (1 of 4 stars). 5 submissions from 5 submitters: Uncertain significance (1); Likely benign (3). 1 of the submissions does not count toward it. Last evaluated 2026-09-01.

Conditions:
COL18A1-related disorder. Also called: COL18A1-related disorders; COL18A1-related condition.
Knobloch syndrome (KNO). Also called: RETINAL DETACHMENT AND OCCIPITAL ENCEPHALOCELE; Myopia retinal detachment encephalocele. Identifiers: Orphanet 1571, MedGen C1849409, MONDO:0800166.

Allele frequency attached by ClinVar (database versions not stated): ExAC 0.00009; ESP Exome Variant Server 0.00009; gnomAD 0.00010 and 0.00011; gnomAD exomes 0.00016 and 0.00020; TOPMed 0.00016.
gnomAD v4.1: 293 of 1,536,876 alleles (0.019%); highest among the groups gnomAD compares: Admixed American, 0.036%; no homozygotes.

Submissions (5):

CeGaT Center for Human Genetics Tuebingen
Classification: Likely benign. Last evaluated: 2026-09-01. Review status: criteria provided, single submitter. Criteria: CeGaT Center For Human Genetics Tuebingen Variant Classification Criteria Version 2. Collection method: clinical testing. Allele origin: germline. Affected: yes. Observed: 1 variant allele.
Comment: COL18A1: BP4, BP7

Labcorp Genetics (formerly Invitae), Labcorp
Classification: Likely benign. Last evaluated: 2026-01-19. Review status: criteria provided, single submitter. Criteria: Invitae Variant Classification Sherloc (09022015). Collection method: clinical testing. Allele origin: germline.

Blueprint Genetics
Classification: Likely benign. Last evaluated: 2024-09-16. Review status: criteria provided, single submitter. Criteria: ACMG Guidelines, 2015. Collection method: clinical testing. Allele origin: germline.

Illumina Laboratory Services, Illumina
Classification: Uncertain significance for Knobloch syndrome 1. Last evaluated: 2018-01-12. Review status: criteria provided, single submitter. Criteria: ICSL Variant Classification Criteria 13 December 2019. Collection method: clinical testing. Allele origin: germline.

PreventionGenetics, part of Exact Sciences
Classification: Likely benign for COL18A1-related condition. Last evaluated: 2023-09-13. Review status: no assertion criteria provided. Collection method: clinical testing. Allele origin: germline. Not counted in ClinVar's aggregate classification.
Comment: This variant is classified as likely benign based on ACMG/AMP sequence variant interpretation guidelines (Richards et al. 2015 PMID: 25741868, with internal and published modifications).

NM_001379500.1(COL18A1):c.1008C>T (p.Gly336=)

Gene: COL18A1 (collagen type XVIII alpha 1 chain; plus strand). Cytogenetic location: 21q22.3.
Variant type: single nucleotide variant.
Coding change: c.1008C>T on transcript NM_001379500.1 (MANE Select); coding-DNA position 1008, C replaced by T.
Protein change: p.Gly336=; no amino-acid change (glycine 336 retained).
Molecular consequence: synonymous variant.
Genome position (GRCh38, 1-based): chr21:45,477,752, C>T. VCF-style: chr21-45477752-C-T. GRCh37 (hg19) VCF-style: chr21-46897666-C-T.
Other names: NM_130445.2:c.1008C>T; c.1548C>T, p.Gly516= (NM_030582.4); c.2253C>T, p.Gly751= (NM_130444.3); c.1548C>T (NM_030582.3).
Identifiers: ClinVar variation 896517 (VCV000896517.15), dbSNP rs372133935, ClinGen allele CA10066060.